The following is an entry in ClinVar:

ClinVar aggregate classification (germline): Uncertain significance (1 of 4 stars; one submission).

Allele frequency attached by ClinVar (database versions not stated): gnomAD 0.00001; TOPMed 0.00001.
gnomAD v4.1: 1 of 1,612,114 alleles (0.000062%); highest among the groups gnomAD compares: Non-Finnish European, 0.000085%; no homozygotes.

Submission:

Labcorp Genetics (formerly Invitae), Labcorp
Classification: Uncertain significance. Last evaluated: 2022-07-05. Review status: criteria provided, single submitter. Criteria: Invitae Variant Classification Sherloc (09022015). Collection method: clinical testing. Allele origin: germline.
Comment: This variant has not been reported in the literature in individuals affected with PALM-related conditions. This variant is not present in population databases (gnomAD no frequency). This sequence change replaces alanine, which is neutral and non-polar, with glycine, which is neutral and non-polar, at codon 335 of the PALM protein (p.Ala335Gly). ClinVar contains an entry for this variant (Variation ID: 1508260). In summary, the available evidence is currently insufficient to determine the role of this variant in disease. Therefore, it has been classified as a Variant of Uncertain Significance. Algorithms developed to predict the effect of sequence changes on RNA splicing suggest that this variant may create or strengthen a splice site. Algorithms developed to predict the effect of missense changes on protein structure and function (SIFT, PolyPhen-2, Align-GVGD) all suggest that this variant is likely to be tolerated.

NM_002579.3(PALM):c.1004C>G (p.Ala335Gly)

Gene: PALM (paralemmin; plus strand). Cytogenetic location: 19p13.3.
Variant type: single nucleotide variant.
Coding change: c.1004C>G on transcript NM_002579.3 (MANE Select); coding-DNA position 1004, C replaced by G.
Protein change: p.Ala335Gly; replaces alanine 335 with glycine.
Molecular consequence: missense variant.
Genome position (GRCh38, 1-based): chr19:746,654, C>G. VCF-style: chr19-746654-C-G. GRCh37 (hg19) VCF-style: chr19-746654-C-G.
Other names: c.872C>G, p.Ala291Gly (NM_001040134.2); short protein forms A335G, A291G.
Identifiers: ClinVar variation 1508260 (VCV001508260.8), dbSNP rs1173554821, ClinGen allele CA402891944.